The following is an entry in ClinVar:

ClinVar aggregate classification (germline): Uncertain significance (1 of 4 stars; one submission).

Submission:

ARUP Laboratories, Molecular Genetics and Genomics, ARUP Laboratories
Classification: Uncertain significance. Last evaluated: 2024-04-17. Review status: criteria provided, single submitter. Criteria: ARUP Molecular Germline Variant Investigation Process 2024. Collection method: clinical testing. Allele origin: germline.
Comment: The BTK c.391+3G>A variant, to our knowledge, is not reported in the medical literature or gene specific databases. This variant is also absent from the Genome Aggregation Database (v2.1.1), indicating it is not a common polymorphism. This is an intronic variant and computational analyses (Alamut Visual Plus v.1.5.1) predict that this variant does not alter splicing. However, since this variant is located within the minimal splice region, the clinical significance of this variant is uncertain at this time.

NM_000061.3(BTK):c.391+3G>A

Gene: BTK (Bruton tyrosine kinase; minus strand). Cytogenetic location: Xq22.1.
Variant type: single nucleotide variant.
Coding change: c.391+3G>A on transcript NM_000061.3 (MANE Select); 3 bases into the intron after coding-DNA position 391, G replaced by A.
Molecular consequence: intron variant.
Genome position (GRCh38, 1-based): chrX:101,369,995, C>T on the plus strand (G>A on the coding strand, the complement: BTK is on the minus strand). VCF-style: chrX-101369995-C-T. GRCh37 (hg19) VCF-style: chrX-100624983-C-T.
Other names: c.493+3G>A (NM_001287344.2); c.391+3G>A (NM_001287345.2).
Identifiers: ClinVar variation 3766570 (VCV003766570.1).